The following is an entry in ClinVar:

NM_000209.4(PDX1):c.124C>T (p.Pro42Ser)

Gene: PDX1 (pancreatic and duodenal homeobox 1; plus strand). Cytogenetic location: 13q12.2.
Variant type: single nucleotide variant.
Coding change: c.124C>T on transcript NM_000209.4 (MANE Select); coding-DNA position 124, C replaced by T.
Protein change: p.Pro42Ser; replaces proline 42 with serine.
Molecular consequence: missense variant.
Genome position (GRCh38, 1-based): chr13:27,920,262, C>T. VCF-style: chr13-27920262-C-T. GRCh37 (hg19) VCF-style: chr13-28494399-C-T.
Other names: short protein forms P42S.
Identifiers: ClinVar variation 1801837 (VCV001801837.1), dbSNP rs1188694060, ClinGen allele CA387643922.
Genomic context (GRCh38, chr13:27,920,262, plus strand): 5'-CGAGGCCCGGCGCCGGAGTTCAGCGCCAGCCCCCCTGCGTGCCTGTACATGGGCCGCCAG[C>T]CCCCGCCGCCGCCGCCGCACCCGTTCCCTGGCGCCCTGGGCGCGCTGGAGCAGGGCAGCC-3'
Protein context (NP_000200.1, residues 32-52): PPACLYMGRQ[Pro42Ser]PPPPPHPFPG

ClinVar aggregate classification (germline): Uncertain risk allele (1 of 4 stars; one submission).

Conditions:
Pancreatic hypoplasia. Identifiers: MedGen C0266267, HP:0002594.

Allele frequency attached by ClinVar (database versions not stated): gnomAD exomes below 0.00001; TOPMed below 0.00001; gnomAD 0.00001.
gnomAD v4.1: 6 of 1,542,028 alleles (0.00039%); highest among the groups gnomAD compares: East Asian, 0.012%; no homozygotes.

Submission:

Clinical Genomics, Uppaluri K&H Personalized Medicine Clinic
Classification: Uncertain risk allele for Pancreatic hypoplasia. Review status: criteria provided, single submitter. Criteria: K & H Uppaluri Personalized Medicine Clinic Variant Classification & Assertion Criteria_Updated V.1. Collection method: research. Allele origin: unknown. Inheritance: Autosomal recessive inheritance.
Comment: Potent homozygous mutations in the PDX1 gene can lead to pancreatic agenesis/pancreatic hypoplasia and neonatal diabetes mellitus. However no sufficient evidence is found to ascertain the role of this particular variant rs1188694060, yet.

Literature cited by the submitters: PubMed 31366392; PubMed 19855005; PubMed 29396371; PubMed 28436541; PubMed 27386488; PubMed 19817786.